The following is an entry in ClinVar:

ClinVar aggregate classification (germline): Likely benign. Review status: criteria provided, multiple submitters, no conflicts (2 of 4 stars). 3 submissions from 3 submitters: Likely benign (3). Last evaluated 2026-05-06.

Conditions:
NPHP1-related disorder. Also called: NPHP1-related condition; NPHP1-related disorders.
Nephronophthisis. Also called: Juvenile Nephronophthisis. Identifiers: Orphanet 655, MedGen C0687120, MONDO:0019005, HP:0000090.
Nephronophthisis 1 (NPHP1). Also called: Nephronophthisis familial juvenile. Identifiers: Orphanet 655, Orphanet 93592, MedGen C1855681, MONDO:0009728, OMIM 256100.
Joubert syndrome with renal defect. Also called: JOUBERT SYNDROME 4. Identifiers: Orphanet 220497, MedGen C1846790, MONDO:0012308, OMIM 609583.
Senior-Loken syndrome 1 (SLSN1). Also called: JUVENILE NEPHRONOPHTHISIS WITH LEBER AMAUROSIS. Identifiers: Orphanet 3156, MedGen C4551559, MONDO:0009962, OMIM 266900.

gnomAD v4.1: 10 of 1,602,912 alleles (0.00062%); highest among the groups gnomAD compares: African/African-American, 0.008%; no homozygotes.

Submissions (3):

PreventionGenetics, part of Exact Sciences
Classification: Likely benign for NPHP1-related condition. Last evaluated: 2026-05-06. Review status: criteria provided, single submitter. Criteria: ACMG Guidelines, 2015. Collection method: clinical testing. Allele origin: germline.
Comment: This variant is classified as likely benign based on ACMG/AMP sequence variant interpretation guidelines (Richards et al. 2015 PMID: 25741868, with internal and published modifications).

Labcorp Genetics (formerly Invitae), Labcorp
Classification: Likely benign for Nephronophthisis. Last evaluated: 2023-12-30. Review status: criteria provided, single submitter. Criteria: Invitae Variant Classification Sherloc (09022015). Collection method: clinical testing. Allele origin: germline.

Fulgent Genetics
Classification: Likely benign for Nephronophthisis 1; Senior-Loken syndrome 1; Joubert syndrome with renal defect. Last evaluated: 2022-05-27. Review status: criteria provided, single submitter. Criteria: ACMG Guidelines, 2015. Collection method: clinical testing. Allele origin: unknown.

NM_001128178.3(NPHP1):c.859+8G>C

Gene: NPHP1 (nephrocystin 1; minus strand). Cytogenetic location: 2q13.
Variant type: single nucleotide variant.
Coding change: c.859+8G>C on transcript NM_001128178.3 (MANE Select); 8 bases into the intron after coding-DNA position 859, G replaced by C.
Molecular consequence: intron variant.
Genome position (GRCh38, 1-based): chr2:110,163,040, C>G on the plus strand (G>C on the coding strand, the complement: NPHP1 is on the minus strand). VCF-style: chr2-110163040-C-G. GRCh37 (hg19) VCF-style: chr2-110920617-C-G.
Other names: c.1027+8G>C (NM_000272.3, NM_000272.5); c.670+8G>C (NM_001128179.3); c.856+8G>C (NM_001374256.1); c.859+8G>C (NM_001374257.1); c.1024+8G>C (NM_207181.4).
Identifiers: ClinVar variation 1554409 (VCV001554409.10), dbSNP rs765856771, ClinGen allele CA1827206.